The following is an entry in ClinVar:

NM_000260.4(MYO7A):c.5324T>A (p.Ile1775Asn)

Gene: MYO7A (myosin VIIA; plus strand). Cytogenetic location: 11q13.5.
Variant type: single nucleotide variant.
Coding change: c.5324T>A on transcript NM_000260.4 (MANE Select); coding-DNA position 5324, T replaced by A.
Protein change: p.Ile1775Asn; replaces isoleucine 1775 with asparagine.
Molecular consequence: missense variant.
Genome position (GRCh38, 1-based): chr11:77,203,215, T>A. VCF-style: chr11-77203215-T-A. GRCh37 (hg19) VCF-style: chr11-76914260-T-A.
Other names: c.5210T>A, p.Ile1737Asn (NM_001127180.2); c.5177T>A, p.Ile1726Asn (NM_001369365.1); short protein forms I1726N, I1737N, I1775N.
Identifiers: ClinVar variation 1220461 (VCV001220461.8), dbSNP rs115123584, ClinGen allele CA381952475.

ClinVar aggregate classification (germline): Uncertain significance. Review status: criteria provided, multiple submitters, no conflicts (2 of 4 stars). 4 submissions from 4 submitters: Uncertain significance (3). 1 of the submissions does not count toward it. Last evaluated 2025-04-30.

Conditions:
Inborn genetic diseases. Identifiers: MedGen C0950123, MeSH D030342.
Usher syndrome type 1B (USH1B). Also called: Usher syndrome type IB. Identifiers: MedGen C1848638, MONDO:0700087.

gnomAD v4.1: 10 of 1,552,964 alleles (0.00064%); highest among the groups gnomAD compares: Admixed American, 0.0019%; no homozygotes.

Submissions (4):

Ambry Genetics
Classification: Uncertain significance for Inborn genetic diseases. Last evaluated: 2025-04-30. Review status: criteria provided, single submitter. Criteria: Ambry Variant Classification Scheme 2023. Collection method: clinical testing. Allele origin: germline.

Labcorp Genetics (formerly Invitae), Labcorp
Classification: Uncertain significance. Last evaluated: 2025-04-01. Review status: criteria provided, single submitter. Criteria: Invitae Variant Classification Sherloc (09022015). Collection method: clinical testing. Allele origin: germline.
Comment: This sequence change replaces isoleucine, which is neutral and non-polar, with asparagine, which is neutral and polar, at codon 1775 of the MYO7A protein (p.Ile1775Asn). The frequency data for this variant in the population databases is considered unreliable, as metrics indicate poor data quality at this position in the gnomAD database. This variant has not been reported in the literature in individuals affected with MYO7A-related conditions. ClinVar contains an entry for this variant (Variation ID: 1220461). An algorithm developed to predict the effect of missense changes on protein structure and function (PolyPhen-2) suggests that this variant is likely to be tolerated. In summary, the available evidence is currently insufficient to determine the role of this variant in disease. Therefore, it has been classified as a Variant of Uncertain Significance.

GeneDx
Classification: Uncertain significance. Last evaluated: 2019-12-31. Review status: criteria provided, single submitter. Criteria: GeneDx Variant Classification Process June 2021. Collection method: clinical testing. Allele origin: germline. Affected: yes.
Comment: Has not been previously published as pathogenic or benign to our knowledge; In silico analysis, which includes protein predictors and evolutionary conservation, supports that this variant does not alter protein structure/function; In-silico analysis which includes splice predictors is inconclusive as to whether the variant alters gene splicing. In the absence of RNA/functional studies, the actual effect of this sequence change is unknown.

Natera, Inc.
Classification: Uncertain significance for Usher syndrome type 1B. Last evaluated: 2021-05-06. Review status: no assertion criteria provided. Collection method: clinical testing. Allele origin: germline. Not counted in ClinVar's aggregate classification.